The following is an entry in ClinVar:

ClinVar aggregate classification (germline): Benign/Likely benign. Review status: criteria provided, multiple submitters, no conflicts (2 of 4 stars). 3 submissions from 3 submitters: Benign (1); Likely benign (2). Last evaluated 2025-05-27.

Conditions:
Hereditary cancer-predisposing syndrome. Also called: Hereditary neoplastic syndrome; Neoplastic Syndromes, Hereditary; Tumor predisposition; Hereditary Cancer Syndrome. Identifiers: Orphanet 140162, MedGen C0027672, MeSH D009386, MONDO:0015356.
Tuberous sclerosis 1 (TSC1). Identifiers: Orphanet 805, MedGen C1854465, MONDO:0008612, OMIM 191100.

Submissions (3):

Labcorp Genetics (formerly Invitae), Labcorp
Classification: Likely benign for Tuberous sclerosis 1. Last evaluated: 2025-05-27. Review status: criteria provided, single submitter. Criteria: Invitae Variant Classification Sherloc (09022015). Collection method: clinical testing. Allele origin: germline.

Myriad Genetics, Inc.
Classification: Benign for Tuberous sclerosis 1. Last evaluated: 2025-04-09. Review status: criteria provided, single submitter. Criteria: Myriad Autosomal Dominant, Autosomal Recessive and X-Linked Classification Criteria (2023). Collection method: clinical testing. Allele origin: unknown.
Comment: This variant is considered benign. This variant is a silent/synonymous amino acid change and it is not expected to impact splicing.

Ambry Genetics
Classification: Likely benign for Hereditary cancer-predisposing syndrome. Last evaluated: 2019-11-11. Review status: criteria provided, single submitter. Criteria: Ambry Variant Classification Scheme 2023. Collection method: clinical testing. Allele origin: germline.

NM_000368.5(TSC1):c.976C>T (p.Leu326=)

Gene: TSC1 (TSC complex subunit 1; minus strand). Cytogenetic location: 9q34.13.
Variant type: single nucleotide variant.
Coding change: c.976C>T on transcript NM_000368.5 (MANE Select); coding-DNA position 976, C replaced by T.
Protein change: p.Leu326=; no amino-acid change (leucine 326 retained).
Molecular consequence: synonymous variant.
Genome position (GRCh38, 1-based): chr9:132,911,506, G>A on the plus strand (C>T on the coding strand, the complement: TSC1 is on the minus strand). VCF-style: chr9-132911506-G-A. GRCh37 (hg19) VCF-style: chr9-135786893-G-A.
Other names: c.976C>T, p.Leu326= (NM_001162426.2); c.823C>T, p.Leu275= (NM_001162427.2); c.613C>T, p.Leu205= (NM_001362177.2).
Identifiers: ClinVar variation 466166 (VCV000466166.12), dbSNP rs1554817396, ClinGen allele CA467593470.